The following is an entry in ClinVar:

NM_020937.4(FANCM):c.2545A>G (p.Lys849Glu)

Gene: FANCM (FA complementation group M; plus strand). Cytogenetic location: 14q21.2.
Variant type: single nucleotide variant.
Coding change: c.2545A>G on transcript NM_020937.4 (MANE Select); coding-DNA position 2545, A replaced by G.
Protein change: p.Lys849Glu; replaces lysine 849 with glutamic acid.
Molecular consequence: missense variant.
Genome position (GRCh38, 1-based): chr14:45,175,299, A>G. VCF-style: chr14-45175299-A-G. GRCh37 (hg19) VCF-style: chr14-45644502-A-G.
Other names: c.2467A>G, p.Lys823Glu (NM_001308133.2); short protein forms K849E, K823E.
Identifiers: ClinVar variation 1402892 (VCV001402892.6), dbSNP rs1007624205, ClinGen allele CA259627758.

ClinVar aggregate classification (germline): Uncertain significance (1 of 4 stars; one submission).

Conditions:
Fanconi anemia (FA). Also called: Fanconi's anemia. Identifiers: Orphanet 84, MedGen C0015625, MeSH D005199, MONDO:0019391.

Allele frequency attached by ClinVar (database versions not stated): gnomAD exomes below 0.00001; TOPMed below 0.00001.

Submission:

Labcorp Genetics (formerly Invitae), Labcorp
Classification: Uncertain significance for Fanconi anemia. Last evaluated: 2024-04-16. Review status: criteria provided, single submitter. Criteria: Invitae Variant Classification Sherloc (09022015). Collection method: clinical testing. Allele origin: germline.
Comment: This sequence change replaces lysine, which is basic and polar, with glutamic acid, which is acidic and polar, at codon 849 of the FANCM protein (p.Lys849Glu). This variant is not present in population databases (gnomAD no frequency). This variant has not been reported in the literature in individuals affected with FANCM-related conditions. ClinVar contains an entry for this variant (Variation ID: 1402892). Algorithms developed to predict the effect of missense changes on protein structure and function output the following: SIFT: "Not Available"; PolyPhen-2: "Benign"; Align-GVGD: "Not Available". The glutamic acid amino acid residue is found in multiple mammalian species, which suggests that this missense change does not adversely affect protein function. In summary, the available evidence is currently insufficient to determine the role of this variant in disease. Therefore, it has been classified as a Variant of Uncertain Significance.